The following is an entry in ClinVar:

ClinVar aggregate classification (germline): Pathogenic/Likely pathogenic. Review status: criteria provided, multiple submitters, no conflicts (2 of 4 stars). 4 submissions from 4 submitters: Pathogenic (2); Likely pathogenic (2). Last evaluated 2026-05-06.

Conditions:
ABCB4-related disorder. Also called: ABCB4-related disorders; ABCB4-related condition.
Low phospholipid associated cholelithiasis (GBD1). Also called: Gallbladder disease 1; Gallstone cholecystitis. Identifiers: Orphanet 69663, MedGen C2609268, MONDO:0010939, OMIM 600803.
Cholestasis, intrahepatic, of pregnancy, 3. Identifiers: Orphanet 69665, MedGen C3554241, MONDO:0013995, OMIM 614972.
Progressive familial intrahepatic cholestasis type 3. Also called: MDR3 DEFICIENCY; Low Gamma-GT Familial Intrahepatic Cholestasis. Identifiers: Orphanet 79305, MedGen C1865643, MONDO:0011214, OMIM 602347.

Allele frequency attached by ClinVar (database versions not stated): TOPMed 0.00001; gnomAD 0.00002.
gnomAD v4.1: 6 of 1,613,890 alleles (0.00037%); highest among the groups gnomAD compares: African/African-American, 0.004%; no homozygotes.

Submissions (4):

PreventionGenetics, part of Exact Sciences
Classification: Pathogenic for ABCB4-related condition. Last evaluated: 2026-05-06. Review status: criteria provided, single submitter. Criteria: ACMG Guidelines, 2015. Collection method: clinical testing. Allele origin: germline.
Comment: The ABCB4 c.2211+1G>A variant is predicted to disrupt the GT donor site and interfere with normal splicing. This variant has been reported in a patient with intrahepatic cholestasis of pregnancy (Anzivino et al. 2013. PubMed ID 23022423). Additionally, loss of function variants (including splice, nonsense, and frameshift) upstream and downstream of this variant have been reported in association with ABCB4-related disease (Human Gene Mutation Database). In summary, we classify this variant as pathogenic.

Labcorp Genetics (formerly Invitae), Labcorp
Classification: Likely pathogenic. Last evaluated: 2024-06-23. Review status: criteria provided, single submitter. Criteria: Invitae Variant Classification Sherloc (09022015). Collection method: clinical testing. Allele origin: germline.
Comment: This sequence change affects a donor splice site in intron 17 of the ABCB4 gene. It is expected to disrupt RNA splicing. Variants that disrupt the donor or acceptor splice site typically lead to a loss of protein function (PMID: 16199547), and loss-of-function variants in ABCB4 are known to be pathogenic (PMID: 17726488, 25755532). This variant is not present in population databases (gnomAD no frequency). Disruption of this splice site has been observed in individual(s) with intrahepatic cholestasis of pregnancy (PMID: 23022423). ClinVar contains an entry for this variant (Variation ID: 194708). Algorithms developed to predict the effect of sequence changes on RNA splicing suggest that this variant may disrupt the consensus splice site. In summary, the currently available evidence indicates that the variant is pathogenic, but additional data are needed to prove that conclusively. Therefore, this variant has been classified as Likely Pathogenic.

Fulgent Genetics
Classification: Likely pathogenic for Low phospholipid associated cholelithiasis; Progressive familial intrahepatic cholestasis type 3; Cholestasis, intrahepatic, of pregnancy, 3. Last evaluated: 2024-06-04. Review status: criteria provided, single submitter. Criteria: ACMG Guidelines, 2015. Collection method: clinical testing. Allele origin: germline.

Eurofins Ntd Llc (ga)
Classification: Pathogenic. Last evaluated: 2015-04-10. Review status: criteria provided, single submitter. Criteria: EGL Classification Definitions 2015. Collection method: clinical testing. Allele origin: germline. Observed: 1 variant allele, 1 homozygote.

Literature cited by the submitters: PubMed 16199547 (cited by Labcorp Genetics (formerly Invitae), Labcorp); PubMed 17726488 (cited by Labcorp Genetics (formerly Invitae), Labcorp); PubMed 25755532 (cited by Labcorp Genetics (formerly Invitae), Labcorp); PubMed 23022423 (cited by Labcorp Genetics (formerly Invitae), Labcorp).

NM_000443.4(ABCB4):c.2211+1G>A

Gene: ABCB4 (ATP binding cassette subfamily B member 4; minus strand). Cytogenetic location: 7q21.12.
Variant type: single nucleotide variant.
Coding change: c.2211+1G>A on transcript NM_000443.4 (MANE Select); the canonical splice donor site of the intron after coding-DNA position 2211, G replaced by A.
Molecular consequence: splice donor variant.
Genome position (GRCh38, 1-based): chr7:87,423,905, C>T on the plus strand (G>A on the coding strand, the complement: ABCB4 is on the minus strand). VCF-style: chr7-87423905-C-T. GRCh37 (hg19) VCF-style: chr7-87053221-C-T.
Other names: c.2211+1G>A (NM_000443.3, NM_018850.3, NM_018849.3).
Identifiers: ClinVar variation 194708 (VCV000194708.11), dbSNP rs794727183, ClinGen allele CA201315.